The following is an entry in ClinVar:

ClinVar aggregate classification (germline): Likely benign. Review status: criteria provided, multiple submitters, no conflicts (2 of 4 stars). 4 submissions from 4 submitters: Likely benign (4). Last evaluated 2026-03-01.

Conditions:
Autosomal recessive nonsyndromic hearing loss 66 (DFNB66). Also called: Deafness, autosomal recessive 66. Identifiers: Orphanet 90636, MedGen C1857750, MONDO:0012442, OMIM 610212.
Isolated neonatal sclerosing cholangitis (NSC). Also called: Sclerosing cholangitis, neonatal. Identifiers: Orphanet 480556, MedGen C4479344, MONDO:0018816, OMIM 617394.

Allele frequency attached by ClinVar (database versions not stated): TOPMed 0.00008; gnomAD 0.00009 and 0.00010; gnomAD exomes 0.00009; ESP Exome Variant Server 0.00015; ExAC 0.00005.
gnomAD v4.1: 148 of 1,610,590 alleles (0.0092%); highest among the groups gnomAD compares: Middle Eastern, 0.016%; no homozygotes.

Submissions (4):

CeGaT Center for Human Genetics Tuebingen
Classification: Likely benign. Last evaluated: 2026-03-01. Review status: criteria provided, single submitter. Criteria: CeGaT Center For Human Genetics Tuebingen Variant Classification Criteria Version 2. Collection method: clinical testing. Allele origin: germline. Affected: yes. Observed: 1 variant allele.
Comment: DCDC2: BP4, BP7

Labcorp Genetics (formerly Invitae), Labcorp
Classification: Likely benign for Autosomal recessive nonsyndromic hearing loss 66; Isolated neonatal sclerosing cholangitis. Last evaluated: 2024-11-12. Review status: criteria provided, single submitter. Criteria: Invitae Variant Classification Sherloc (09022015). Collection method: clinical testing. Allele origin: germline.

Blueprint Genetics
Classification: Likely benign. Last evaluated: 2024-02-06. Review status: criteria provided, single submitter. Criteria: ACMG Guidelines, 2015. Collection method: clinical testing. Allele origin: germline.

GeneDx
Classification: Likely benign. Last evaluated: 2019-01-31. Review status: criteria provided, single submitter. Criteria: GeneDx Variant Classification Process June 2021. Collection method: clinical testing. Allele origin: germline. Affected: yes.

NM_016356.5(DCDC2):c.1422C>T (p.Ala474=)

Gene: DCDC2 (doublecortin domain containing 2; minus strand). Cytogenetic location: 6p22.3.
Variant type: single nucleotide variant.
Coding change: c.1422C>T on transcript NM_016356.5 (MANE Select); coding-DNA position 1422, C replaced by T.
Protein change: p.Ala474=; no amino-acid change (alanine 474 retained).
Molecular consequence: synonymous variant.
Genome position (GRCh38, 1-based): chr6:24,174,739, G>A on the plus strand (C>T on the coding strand, the complement: DCDC2 is on the minus strand). VCF-style: chr6-24174739-G-A. GRCh37 (hg19) VCF-style: chr6-24174967-G-A.
Other names: c.1422C>T, p.Ala474= (NM_001195610.2).
Identifiers: ClinVar variation 1195693 (VCV001195693.12), dbSNP rs146868469, ClinGen allele CA3654431.